The following is an entry in ClinVar:

NM_003638.3(ITGA8):c.911C>T (p.Thr304Met)

Gene: ITGA8 (integrin subunit alpha 8; minus strand). Cytogenetic location: 10p13.
Variant type: single nucleotide variant.
Coding change: c.911C>T on transcript NM_003638.3 (MANE Select); coding-DNA position 911, C replaced by T.
Protein change: p.Thr304Met; replaces threonine 304 with methionine.
Molecular consequence: missense variant.
Genome position (GRCh38, 1-based): chr10:15,659,036, G>A on the plus strand (C>T on the coding strand, the complement: ITGA8 is on the minus strand). VCF-style: chr10-15659036-G-A. GRCh37 (hg19) VCF-style: chr10-15701035-G-A.
Other names: c.866C>T, p.Thr289Met (NM_001291494.2); short protein forms T289M, T304M.
Identifiers: ClinVar variation 2069252 (VCV002069252.3), dbSNP rs148965352, ClinGen allele CA5420433.

ClinVar aggregate classification (germline): Uncertain significance. Review status: criteria provided, multiple submitters, no conflicts (2 of 4 stars). 2 submissions from 2 submitters: Uncertain significance (2). Last evaluated 2024-06-10.

Conditions:
Inborn genetic diseases. Identifiers: MedGen C0950123, MeSH D030342.

Allele frequency attached by ClinVar (database versions not stated): 1000 Genomes Project 30x 0.00016; 1000 Genomes Project 0.00020; ExAC 0.00038; TOPMed 0.00040; gnomAD 0.00052; ESP Exome Variant Server 0.00108.
gnomAD v4.1: 1,058 of 1,605,696 alleles (0.066%); highest among the groups gnomAD compares: Non-Finnish European, 0.087%; 1 homozygote.

Submissions (2):

Ambry Genetics
Classification: Uncertain significance for Inborn genetic diseases. Last evaluated: 2024-06-10. Review status: criteria provided, single submitter. Criteria: Ambry Variant Classification Scheme 2023. Collection method: clinical testing. Allele origin: germline.

Labcorp Genetics (formerly Invitae), Labcorp
Classification: Uncertain significance. Last evaluated: 2022-04-28. Review status: criteria provided, single submitter. Criteria: Invitae Variant Classification Sherloc (09022015). Collection method: clinical testing. Allele origin: germline.
Comment: This sequence change replaces threonine, which is neutral and polar, with methionine, which is neutral and non-polar, at codon 304 of the ITGA8 protein (p.Thr304Met). This variant is present in population databases (rs148965352, gnomAD 0.07%). This variant has not been reported in the literature in individuals affected with ITGA8-related conditions. Algorithms developed to predict the effect of missense changes on protein structure and function are either unavailable or do not agree on the potential impact of this missense change (SIFT: "Deleterious"; PolyPhen-2: "Possibly Damaging"; Align-GVGD: "Class C15"). In summary, the available evidence is currently insufficient to determine the role of this variant in disease. Therefore, it has been classified as a Variant of Uncertain Significance.